The following is an entry in ClinVar:

ClinVar aggregate classification (germline): Uncertain significance (1 of 4 stars; one submission).

Conditions:
Bethlem myopathy 1A. Also called: Bethlem myopathy 1; MYOPATHY, BENIGN CONGENITAL, WITH CONTRACTURES; Bethlem Muscular Dystrophy. Identifiers: Orphanet 610, MedGen CN029274, MONDO:0024530, OMIM 158810.

Allele frequency attached by ClinVar (database versions not stated): TOPMed below 0.00001.

Submission:

Labcorp Genetics (formerly Invitae), Labcorp
Classification: Uncertain significance for Bethlem myopathy 1A. Last evaluated: 2023-08-02. Review status: criteria provided, single submitter. Criteria: Invitae Variant Classification Sherloc (09022015). Collection method: clinical testing. Allele origin: germline.
Comment: This sequence change replaces glutamic acid, which is acidic and polar, with glycine, which is neutral and non-polar, at codon 984 of the COL6A3 protein (p.Glu984Gly). This variant is not present in population databases (gnomAD no frequency). This variant has not been reported in the literature in individuals affected with COL6A3-related conditions. Advanced modeling of protein sequence and biophysical properties (such as structural, functional, and spatial information, amino acid conservation, physicochemical variation, residue mobility, and thermodynamic stability) performed at Invitae indicates that this missense variant is not expected to disrupt COL6A3 protein function. In summary, the available evidence is currently insufficient to determine the role of this variant in disease. Therefore, it has been classified as a Variant of Uncertain Significance.

NM_004369.4(COL6A3):c.2951A>G (p.Glu984Gly)

Gene: COL6A3 (collagen type VI alpha 3 chain; minus strand). Cytogenetic location: 2q37.3.
Variant type: single nucleotide variant.
Coding change: c.2951A>G on transcript NM_004369.4 (MANE Select); coding-DNA position 2951, A replaced by G.
Protein change: p.Glu984Gly; replaces glutamic acid 984 with glycine.
Molecular consequence: missense variant.
Genome position (GRCh38, 1-based): chr2:237,376,891, T>C on the plus strand (A>G on the coding strand, the complement: COL6A3 is on the minus strand). VCF-style: chr2-237376891-T-C. GRCh37 (hg19) VCF-style: chr2-238285534-T-C.
Other names: c.2333A>G, p.Glu778Gly (NM_057167.4, NM_057165.5); c.1730A>G, p.Glu577Gly (NM_057164.5); c.1130A>G, p.Glu377Gly (NM_057166.5); short protein forms E778G, E377G, E577G, E984G.
Identifiers: ClinVar variation 2788181 (VCV002788181.3), dbSNP rs2077857912, ClinGen allele CA351207543.
Genomic context (GRCh38, chr2:237,376,891, plus strand): 5'-TCTCCAATCTTGGGAAGCGACTCTGCAGCCAGGATAAACGCTGGAGACAGCACGATCTGC[T>C]CTAACTCAGCAGGGTCTGCGTTCTTGGCTTGGAAGATGAAAGGCACAACCCCACTCTGCT-3'
Protein context (NP_004360.2, residues 974-994): QAKNADPAEL[Glu984Gly]QIVLSPAFIL